The following is an entry in ClinVar:

ClinVar aggregate classification (germline): Benign/Likely benign. Review status: criteria provided, multiple submitters, no conflicts (2 of 4 stars). 2 submissions from 2 submitters: Benign (1); Likely benign (1). Last evaluated 2024-12-30.

Conditions:
Hereditary cancer-predisposing syndrome. Also called: Neoplastic Syndromes, Hereditary; Tumor predisposition; Hereditary Cancer Syndrome; Hereditary neoplastic syndrome. Identifiers: Orphanet 140162, MedGen C0027672, MeSH D009386, MONDO:0015356.
Lynch syndrome 5 (LYNCH5). Also called: Colorectal cancer, hereditary nonpolyposis, type 5; Hereditary non-polyposis colorectal cancer, type 5. Identifiers: Orphanet 144, MedGen C1833477, MONDO:0013710, OMIM 614350. Disease mechanism: loss of function.

Allele frequency attached by ClinVar (database versions not stated): gnomAD exomes below 0.00001.
gnomAD v4.1: 1 of 1,614,176 alleles (0.000062%); highest among the groups gnomAD compares: Non-Finnish European, 0.000085%; no homozygotes.

Submissions (2):

Myriad Genetics, Inc.
Classification: Benign for Lynch syndrome 5. Last evaluated: 2024-12-30. Review status: criteria provided, single submitter. Criteria: Myriad Autosomal Dominant, Autosomal Recessive and X-Linked Classification Criteria (2023). Collection method: clinical testing. Allele origin: unknown.
Comment: This variant is considered benign. This variant is a silent/synonymous amino acid change and it is not expected to impact splicing.

Ambry Genetics
Classification: Likely benign for Hereditary cancer-predisposing syndrome. Last evaluated: 2021-03-01. Review status: criteria provided, single submitter. Criteria: Ambry Variant Classification Scheme 2023. Collection method: clinical testing. Allele origin: germline.

NM_000179.3(MSH6):c.1863G>C (p.Leu621=)

Gene: MSH6 (mutS homolog 6; plus strand). Cytogenetic location: 2p16.3.
Variant type: single nucleotide variant.
Coding change: c.1863G>C on transcript NM_000179.3 (MANE Select); coding-DNA position 1863, G replaced by C.
Protein change: p.Leu621=; no amino-acid change (leucine 621 retained).
Molecular consequence: synonymous variant. On other transcripts: non-coding transcript variant (5), intron variant (2).
Genome position (GRCh38, 1-based): chr2:47,799,846, G>C. VCF-style: chr2-47799846-G-C. GRCh37 (hg19) VCF-style: chr2-48026985-G-C.
Other names: c.1338G>C, p.Leu446= (NM_001406806.1, NM_001406807.1, NM_001406799.1); c.1863G>C, p.Leu621= (NM_001406808.1, NM_001406809.1, NM_001406796.1 and 3 more transcripts); c.957G>C, p.Leu319= (NM_001406811.1, NM_001406812.1, NM_001406814.1 and 6 more transcripts); c.1869G>C, p.Leu623= (NM_001406813.1); c.1566G>C, p.Leu522= (NM_001406818.1, NM_001406819.1, NM_001406820.1 and 10 more transcripts); c.1695G>C, p.Leu565= (NM_001406826.1); c.1606+257G>C (NM_001406817.1); c.628-820G>C (NM_001407362.1); and 3 more.
Identifiers: ClinVar variation 1781544 (VCV001781544.3), dbSNP rs1350237862, ClinGen allele CA426121266.
Genomic context (GRCh38, chr2:47,799,846, plus strand): 5'-CTCAAAGGAAACTAAAACAATTCTAAAGAGTTCATTGTCCTGTTCTCTTCAGGAAGGTCT[G>C]ATACCCGGCTCCCAGTTTTGGGATGCATCCAAAACTTTGAGAACTCTCCTTGAGGAAGAA-3'
Protein context (NP_000170.1, residues 611-631): SSLSCSLQEG[Leu621=]IPGSQFWDAS